The following is an entry in ClinVar:

NM_000355.4(TCN2):c.500A>T (p.His167Leu)

Gene: TCN2 (transcobalamin 2; plus strand). Cytogenetic location: 22q12.2.
Variant type: single nucleotide variant.
Coding change: c.500A>T on transcript NM_000355.4 (MANE Select); coding-DNA position 500, A replaced by T.
Protein change: p.His167Leu; replaces histidine 167 with leucine.
Molecular consequence: missense variant.
Genome position (GRCh38, 1-based): chr22:30,614,421, A>T. VCF-style: chr22-30614421-A-T. GRCh37 (hg19) VCF-style: chr22-31010408-A-T.
Other names: c.419A>T, p.His140Leu (NM_001184726.2); short protein forms H140L, H167L.
Identifiers: ClinVar variation 723415 (VCV000723415.14), dbSNP rs200303429, ClinGen allele CA10184681.
Genomic context (GRCh38, chr22:30,614,421, plus strand): 5'-AGGGCCACCCCCACACTAGCTACTACCAGTATGGCCTGGGCATTCTGGCCCTGTGTCTCC[A>T]CCAGAAGCGGGTCCATGACAGCGTGGTGGACAAACTTCTGTATGCTGTGGAACCTTTCCA-3'
Protein context (NP_000346.2, residues 157-177): YGLGILALCL[His167Leu]QKRVHDSVVD

ClinVar aggregate classification (germline): Conflicting classifications of pathogenicity. Review status: criteria provided, conflicting classifications (1 of 4 stars). 3 submissions from 3 submitters: Uncertain significance (1); Likely benign (2). Last evaluated 2025-12-15.

Conditions:
TCN2-related disorder. Also called: TCN2-related condition.
Transcobalamin II deficiency (TCN2D). Also called: Transcolabamin II deficiency; TC II DEFICIENCY; TCN2 DEFICIENCY. Identifiers: Orphanet 859, MedGen C0342701, MONDO:0010149, OMIM 275350.

Allele frequency attached by ClinVar (database versions not stated): 1000 Genomes Project 0.00060; 1000 Genomes Project 30x 0.00062; gnomAD exomes 0.00008 and 0.00040; gnomAD 0.00012 and 0.00015; TOPMed 0.00013; ExAC 0.00035.
gnomAD v4.1: 141 of 1,614,090 alleles (0.0087%); highest among the groups gnomAD compares: East Asian, 0.3%; no homozygotes.

Submissions (5):

Labcorp Genetics (formerly Invitae), Labcorp
Classification: Likely benign for Transcobalamin II deficiency. Last evaluated: 2025-12-15. Review status: criteria provided, single submitter. Criteria: Invitae Variant Classification Sherloc (09022015). Collection method: clinical testing. Allele origin: germline.

PreventionGenetics, part of Exact Sciences
Classification: Likely benign for TCN2-related condition. Last evaluated: 2025-08-16. Review status: criteria provided, single submitter. Criteria: ACMG Guidelines, 2015. Collection method: clinical testing. Allele origin: germline.
Comment: This variant is classified as likely benign based on ACMG/AMP sequence variant interpretation guidelines (Richards et al. 2015 PMID: 25741868, with internal and published modifications).

Blueprint Genetics
Classification: Uncertain significance. Last evaluated: 2023-10-06. Review status: criteria provided, single submitter. Criteria: ACMG Guidelines, 2015. Collection method: clinical testing. Allele origin: germline.

Dr. Peter K. Rogan Lab, Western University
No classification provided (evidence only). Condition: Gastric cancer. Review status: no classification provided. Collection method: in vitro. Allele origin: not applicable. Functional consequence: retained intron. Not counted in ClinVar's aggregate classification.

Dr. Peter K. Rogan Lab, Western University
No classification provided (evidence only). Condition: Malignant tumor of esophagus. Review status: no classification provided. Collection method: in vitro. Allele origin: not applicable. Functional consequence: skipped exon. Not counted in ClinVar's aggregate classification.